The following is an entry in ClinVar:

ClinVar aggregate classification (germline): Conflicting classifications of pathogenicity. Review status: criteria provided, conflicting classifications (1 of 4 stars). 3 submissions from 3 submitters: Uncertain significance (1); Benign (1); Likely benign (1). Last evaluated 2025-05-25.

Conditions:
Wilms tumor 1 (WT1). Also called: Wilms tumor, somatic. Identifiers: Orphanet 654, MedGen CN033288, MONDO:0008679, OMIM 194070.

Allele frequency attached by ClinVar (database versions not stated): ExAC below 0.00001; gnomAD 0.00001; gnomAD exomes 0.00001; TOPMed 0.00001.
gnomAD v4.1: 11 of 1,209,798 alleles (0.00091%); highest among the groups gnomAD compares: Non-Finnish European, 0.0012%; no homozygotes.

Submissions (3):

Labcorp Genetics (formerly Invitae), Labcorp
Classification: Benign for Wilms tumor 1. Last evaluated: 2025-05-25. Review status: criteria provided, single submitter. Criteria: Invitae Variant Classification Sherloc (09022015). Collection method: clinical testing. Allele origin: germline.

CeGaT Center for Human Genetics Tuebingen
Classification: Likely benign. Last evaluated: 2022-10-01. Review status: criteria provided, single submitter. Criteria: CeGaT Center For Human Genetics Tuebingen Variant Classification Criteria Version 2. Collection method: clinical testing. Allele origin: germline. Affected: yes. Observed: 1 variant allele.
Comment: GPC3: BP4, BP7

Eurofins Ntd Llc (ga)
Classification: Uncertain significance. Last evaluated: 2013-06-12. Review status: criteria provided, single submitter. Criteria: EGL Classification Definitions 2015. Collection method: clinical testing. Allele origin: germline. Observed: 2 variant alleles, 1 heterozygote, 1 hemizygote.

NM_004484.4(GPC3):c.171G>A (p.Val57=)

Gene: GPC3 (glypican 3; minus strand). Cytogenetic location: Xq26.2.
Variant type: single nucleotide variant.
Coding change: c.171G>A on transcript NM_004484.4 (MANE Select); coding-DNA position 171, G replaced by A.
Protein change: p.Val57=; no amino-acid change (valine 57 retained).
Molecular consequence: synonymous variant.
Genome position (GRCh38, 1-based): chrX:133,985,279, C>T on the plus strand (G>A on the coding strand, the complement: GPC3 is on the minus strand). VCF-style: chrX-133985279-C-T. GRCh37 (hg19) VCF-style: chrX-133119306-C-T.
Other names: c.171G>A, p.Val57= (NM_001164617.2, NM_001164618.2, NM_001164619.2).
Identifiers: ClinVar variation 95099 (VCV000095099.39), dbSNP rs398124166, ClinGen allele CA222729.